The following is an entry in ClinVar:

NM_199420.4(POLQ):c.2473A>C (p.Asn825His)

Gene: POLQ (DNA polymerase theta; minus strand). Cytogenetic location: 3q13.33.
Variant type: single nucleotide variant.
Coding change: c.2473A>C on transcript NM_199420.4 (MANE Select); coding-DNA position 2473, A replaced by C.
Protein change: p.Asn825His; replaces asparagine 825 with histidine.
Molecular consequence: missense variant.
Genome position (GRCh38, 1-based): chr3:121,493,527, T>G on the plus strand (A>C on the coding strand, the complement: POLQ is on the minus strand). VCF-style: chr3-121493527-T-G. GRCh37 (hg19) VCF-style: chr3-121212374-T-G.
Other names: short protein forms N825H.
Identifiers: ClinVar variation 1791804 (VCV001791804.2), dbSNP rs2546790659, ClinGen allele CA354107450.

ClinVar aggregate classification (germline): Uncertain significance (1 of 4 stars; one submission).

Submission:

Ambry Genetics
Classification: Uncertain significance. Last evaluated: 2022-03-26. Review status: criteria provided, single submitter. Criteria: Ambry Variant Classification Scheme 2023. Collection method: clinical testing. Allele origin: germline.
Comment: The p.N825H variant (also known as c.2473A>C), located in coding exon 15 of the POLQ gene, results from an A to C substitution at nucleotide position 2473. The asparagine at codon 825 is replaced by histidine, an amino acid with similar properties. This amino acid position is conserved. In addition, this alteration is predicted to be tolerated by in silico analysis. Since supporting evidence is limited at this time, the clinical significance of this alteration remains unclear.